The following is an entry in ClinVar:

NM_000051.4(ATM):c.4820del (p.Pro1607fs)

Gene: ATM (ATM serine/threonine kinase; plus strand). Cytogenetic location: 11q22.3.
Variant type: Deletion.
Coding change: c.4820del on transcript NM_000051.4 (MANE Select); coding-DNA position 4820, one base deleted (C; older notation c.4820delC).
Protein change: p.Pro1607fs; shifts the reading frame from proline 1607.
Molecular consequence: frameshift variant.
Genome position (GRCh38, 1-based): chr11:108,294,970, C deleted; the last of 2 consecutive C bases (chr11:108,294,969-108,294,970); deleting either gives the same sequence. VCF-style (leftmost placement, unchanged base first): chr11-108294968-TC-T. GRCh37 (hg19) VCF-style: chr11-108165695-TC-T.
Other names: c.4820delC (NM_000051.3); c.4820del, p.Pro1607fs (NM_001351834.2); short protein forms P1607fs.
Identifiers: ClinVar variation 1338777 (VCV001338777.5), dbSNP rs2135834949, ClinGen allele CA2573053404.

ClinVar aggregate classification (germline): Pathogenic/Likely pathogenic. Review status: criteria provided, multiple submitters, no conflicts (2 of 4 stars). 3 submissions from 3 submitters: Pathogenic (2); Likely pathogenic (1). Last evaluated 2025-12-21.

Conditions:
Hereditary cancer-predisposing syndrome. Also called: Hereditary Cancer Syndrome; Neoplastic Syndromes, Hereditary; Tumor predisposition; Hereditary neoplastic syndrome. Identifiers: Orphanet 140162, MedGen C0027672, MeSH D009386, MONDO:0015356.
Ataxia-telangiectasia syndrome (AT). Also called: Ataxia-telangiectasia, complementation group D; ATAXIA-TELANGIECTASIA, COMPLEMENTATION GROUP A; ATAXIA-TELANGIECTASIA, FRESNO VARIANT; Ataxia-telangiectasia, complementation group E; Cerebello-oculocutaneous telangiectasia; Immunodeficiency with ataxia telangiectasia. Identifiers: Orphanet 100, MedGen C0004135, MONDO:0008840, OMIM 208900.
Familial cancer of breast. Also called: BREAST CANCER, FAMILIAL; hereditary breast carcinoma; Hereditary breast cancer. Identifiers: Orphanet 227535, MedGen C0346153, MONDO:0016419, OMIM 114480. Disease mechanism: loss of function.

Submissions (3):

Labcorp Genetics (formerly Invitae), Labcorp
Classification: Pathogenic for Ataxia-telangiectasia syndrome. Last evaluated: 2025-12-21. Review status: criteria provided, single submitter. Criteria: Invitae Variant Classification Sherloc (09022015). Collection method: clinical testing. Allele origin: germline.
Comment: This sequence change creates a premature translational stop signal (p.Pro1607Hisfs*2) in the ATM gene. It is expected to result in an absent or disrupted protein product. Loss-of-function variants in ATM are known to be pathogenic (PMID: 23807571, 25614872). This variant is not present in population databases (gnomAD no frequency). This variant has not been reported in the literature in individuals affected with ATM-related conditions. ClinVar contains an entry for this variant (Variation ID: 1338777). Algorithms developed to predict the effect of sequence changes on RNA splicing suggest that this variant may disrupt the consensus splice site. For these reasons, this variant has been classified as Pathogenic.

Ambry Genetics
Classification: Pathogenic for Hereditary cancer-predisposing syndrome. Last evaluated: 2022-03-21. Review status: criteria provided, single submitter. Criteria: Ambry Variant Classification Scheme 2023. Collection method: clinical testing. Allele origin: germline.
Comment: The c.4820delC pathogenic mutation, located in coding exon 31 of the ATM gene, results from a deletion of one nucleotide at nucleotide position 4820, causing a translational frameshift with a predicted alternate stop codon (p.P1607Hfs*2). This variant was reported in 1/60,466 breast cancer cases and in 0/53,461 controls (Dorling et al. N Engl J Med. 2021 02;384:428-439). This variant is considered to be rare based on population cohorts in the Genome Aggregation Database (gnomAD). In addition to the clinical data presented in the literature, this alteration is expected to result in loss of function by premature protein truncation or nonsense-mediated mRNA decay. As such, this alteration is interpreted as a disease-causing mutation.

Institute of Human Genetics, University of Goettingen
Classification: Likely pathogenic for Familial cancer of breast. Last evaluated: 2022-02-01. Review status: criteria provided, single submitter. Criteria: ACMG Guidelines, 2015. Collection method: clinical testing. Allele origin: unknown. Inheritance: Autosomal dominant inheritance. Observed: 1 heterozygote.
Comment: The variant c.4820del (p.(Pro1607Hisfs*2)) in exon 32 of the ATM-gene is not found in the gnomAD database, it creates a frame shift starting at codon Pro1607. The new reading frame ends in a STOP codon at position 2. Frameshift variants leading to a loss of function of ATM protein are a known mechanism of disease. ACMG criteria used for classification: PVS1, PM2.

Literature cited by the submitters: PubMed 23807571 (cited by Labcorp Genetics (formerly Invitae), Labcorp); PubMed 25614872 (cited by Labcorp Genetics (formerly Invitae), Labcorp); PubMed 33471991 (cited by Ambry Genetics).